The following is an entry in ClinVar:

NM_001110556.2(FLNA):c.6963C>G (p.Phe2321Leu)

Gene: FLNA (filamin A; minus strand). Cytogenetic location: Xq28.
Variant type: single nucleotide variant.
Coding change: c.6963C>G on transcript NM_001110556.2 (MANE Select); coding-DNA position 6963, C replaced by G.
Protein change: p.Phe2321Leu; replaces phenylalanine 2321 with leucine.
Molecular consequence: missense variant.
Genome position (GRCh38, 1-based): chrX:154,351,641, G>C on the plus strand (C>G on the coding strand, the complement: FLNA is on the minus strand). VCF-style: chrX-154351641-G-C. GRCh37 (hg19) VCF-style: chrX-153580009-G-C.
Other names: c.6939C>G, p.Phe2313Leu (NM_001456.4); short protein forms F2313L, F2321L.
Identifiers: ClinVar variation 4293584 (VCV004293584.1).
Genomic context (GRCh38, chrX:154,351,641, plus strand): 5'-CTGAAGGCTAGAAACAGTGAGGCGGCGGGCGTCGCCAGACGGAGAAGCCACAGGCACCAC[G>C]AAGGGGCTGTCGGGAATGTGTTCCTCGTTGAACTTGACTGAGACTTCGTAGTCACCTGGG-3'
Protein context (NP_001104026.1, residues 2311-2331): FNEEHIPDSP[Phe2321Leu]VVPVASPSGD

ClinVar aggregate classification (germline): Uncertain significance (1 of 4 stars; one submission).

Conditions:
FLNA-related disorder.

Submission:

3billion
Classification: Uncertain significance for FLNA-related disorder. Last evaluated: 2024-08-27. Review status: criteria provided, single submitter. Criteria: ACMG Guidelines, 2015. Collection method: clinical testing. Allele origin: germline. Affected: yes.
Comment: The variant is not observed in the gnomAD v4.0.0 dataset. Predicted Consequence/Location: Missense variant In silico tool predictions suggest damaging effect of the variant on gene or gene product [REVEL: 0.85 (>=0.6, sensitivity 0.68 and specificity 0.92)]. Therefore, this variant is classified as VUS according to the recommendation of ACMG/AMP guideline.